The following is an entry in ClinVar:

ClinVar aggregate classification (germline): Uncertain significance. Review status: criteria provided, multiple submitters, no conflicts (2 of 4 stars). 2 submissions from 2 submitters: Uncertain significance (2). Last evaluated 2026-01-18.

Conditions:
Anophthalmia-microphthalmia syndrome. Also called: Anophthalmia - microphthalmia; Anophthalmia/Microphthalmia. Identifiers: Orphanet 98555, MedGen C5680330, MONDO:0020147.

Allele frequency attached by ClinVar (database versions not stated): ExAC 0.00001; gnomAD exomes 0.00002; TOPMed 0.00003; gnomAD 0.00005.
gnomAD v4.1: 124 of 1,611,970 alleles (0.0077%); highest among the groups gnomAD compares: Non-Finnish European, 0.0094%; no homozygotes.

Submissions (2):

Labcorp Genetics (formerly Invitae), Labcorp
Classification: Uncertain significance for Anophthalmia-microphthalmia syndrome. Last evaluated: 2026-01-18. Review status: criteria provided, single submitter. Criteria: Invitae Variant Classification Sherloc (09022015). Collection method: clinical testing. Allele origin: germline.
Comment: This sequence change replaces valine, which is neutral and non-polar, with methionine, which is neutral and non-polar, at codon 29 of the OTX2 protein (p.Val29Met). This variant is present in population databases (rs777618282, gnomAD 0.003%). This missense change has been observed in individual(s) with Donnai-Barrow syndrome (PMID: 18781617). ClinVar contains an entry for this variant (Variation ID: 1040902). An algorithm developed to predict the effect of missense changes on protein structure and function (PolyPhen-2) suggests that this variant is likely to be tolerated. In summary, the available evidence is currently insufficient to determine the role of this variant in disease. Therefore, it has been classified as a Variant of Uncertain Significance.

GeneDx
Classification: Uncertain significance. Last evaluated: 2023-07-12. Review status: criteria provided, single submitter. Criteria: GeneDx Variant Classification Process June 2021. Collection method: clinical testing. Allele origin: germline. Affected: yes.
Comment: In silico analysis supports that this missense variant has a deleterious effect on protein structure/function; Reported in an individual with bilateral iris coloboma, cataract, and retinal abnormalities in published literature, however this variant was inherited from the unaffected father (Wyatt et al., 2008); This variant is associated with the following publications: (PMID: 22715480, 18553518, 18781617)

Literature cited by the submitters: PubMed 18781617 (cited by Labcorp Genetics (formerly Invitae), Labcorp).

NM_021728.4(OTX2):c.85G>A (p.Val29Met)

Gene: OTX2 (orthodenticle homeobox 2; minus strand). Cytogenetic location: 14q22.3.
Variant type: single nucleotide variant.
Coding change: c.85G>A on transcript NM_021728.4 (MANE Select); coding-DNA position 85, G replaced by A.
Protein change: p.Val29Met; replaces valine 29 with methionine.
Molecular consequence: missense variant. On other transcripts: non-coding transcript variant (2).
Genome position (GRCh38, 1-based): chr14:56,805,372, C>T on the plus strand (G>A on the coding strand, the complement: OTX2 is on the minus strand). VCF-style: chr14-56805372-C-T. GRCh37 (hg19) VCF-style: chr14-57272090-C-T.
Other names: c.85G>A, p.Val29Met (NM_001270523.2, NM_001270524.2, NM_001270525.2 and 1 more transcripts); c.85G>A (NM_021728.2); short protein forms V29M.
Identifiers: ClinVar variation 1040902 (VCV001040902.9), dbSNP rs777618282, ClinGen allele CA7200572.